The following is an entry in ClinVar:

NM_000532.5(PCCB):c.1489G>A (p.Ala497Thr)

Gene: PCCB (propionyl-CoA carboxylase subunit beta; plus strand). Cytogenetic location: 3q22.3.
Variant type: single nucleotide variant.
Coding change: c.1489G>A on transcript NM_000532.5 (MANE Select); coding-DNA position 1489, G replaced by A.
Protein change: p.Ala497Thr; replaces alanine 497 with threonine.
Molecular consequence: missense variant.
Genome position (GRCh38, 1-based): chr3:136,328,848, G>A. VCF-style: chr3-136328848-G-A. GRCh37 (hg19) VCF-style: chr3-136047690-G-A.
Other names: c.1549G>A, p.Ala517Thr (NM_001178014.2); short protein forms A497T, A517T.
Identifiers: ClinVar variation 2172329 (VCV002172329.4), dbSNP rs2529977526, ClinGen allele CA354649741.

ClinVar aggregate classification (germline): Uncertain significance (1 of 4 stars; one submission).

Conditions:
Propionic acidemia (PROP). Also called: GLYCINEMIA, KETOTIC; HYPERGLYCINEMIA WITH KETOACIDOSIS AND LEUKOPENIA; KETOTIC HYPERGLYCINEMIA. Identifiers: Orphanet 35, MedGen C0268579, MONDO:0011628, OMIM 606054, HP:0003571.

Submission:

Labcorp Genetics (formerly Invitae), Labcorp
Classification: Uncertain significance for Propionic acidemia. Last evaluated: 2022-06-03. Review status: criteria provided, single submitter. Criteria: Invitae Variant Classification Sherloc (09022015). Collection method: clinical testing. Allele origin: germline.
Comment: This variant is not present in population databases (gnomAD no frequency). In summary, the available evidence is currently insufficient to determine the role of this variant in disease. Therefore, it has been classified as a Variant of Uncertain Significance. Algorithms developed to predict the effect of missense changes on protein structure and function (SIFT, PolyPhen-2, Align-GVGD) all suggest that this variant is likely to be disruptive. This variant has not been reported in the literature in individuals affected with PCCB-related conditions. This sequence change replaces alanine, which is neutral and non-polar, with threonine, which is neutral and polar, at codon 497 of the PCCB protein (p.Ala497Thr).